The following is an entry in ClinVar:

ClinVar aggregate classification (germline): Likely benign (0 of 4 stars; one submission).

Conditions:
PTPRS-related disorder. Also called: PTPRS-related condition.

Allele frequency attached by ClinVar (database versions not stated): TOPMed below 0.00001; ExAC 0.00003; gnomAD exomes 0.00004.
gnomAD v4.1: 66 of 1,611,970 alleles (0.0041%); highest among the groups gnomAD compares: Non-Finnish European, 0.0051%; no homozygotes.

Submission:

PreventionGenetics, part of Exact Sciences
Classification: Likely benign for PTPRS-related condition. Last evaluated: 2021-02-16. Review status: no assertion criteria provided. Collection method: clinical testing. Allele origin: germline.
Comment: This variant is classified as likely benign based on ACMG/AMP sequence variant interpretation guidelines (Richards et al. 2015 PMID: 25741868, with internal and published modifications).

NM_002850.4(PTPRS):c.3432C>T (p.Asp1144=)

Gene: PTPRS (protein tyrosine phosphatase receptor type S; minus strand). Cytogenetic location: 19p13.3.
Variant type: single nucleotide variant.
Coding change: c.3432C>T on transcript NM_002850.4 (MANE Select); coding-DNA position 3432, C replaced by T.
Protein change: p.Asp1144=; no amino-acid change (aspartic acid 1144 retained).
Molecular consequence: synonymous variant.
Genome position (GRCh38, 1-based): chr19:5,221,023, G>A on the plus strand (C>T on the coding strand, the complement: PTPRS is on the minus strand). VCF-style: chr19-5221023-G-A. GRCh37 (hg19) VCF-style: chr19-5221034-G-A.
Other names: c.3366C>T, p.Asp1122= (NM_001394011.1, NM_001394013.1, NM_130854.3); c.3393C>T, p.Asp1131= (NM_001394012.1); c.2139C>T, p.Asp713= (NM_130853.3); c.2151C>T, p.Asp717= (NM_130855.3).
Identifiers: ClinVar variation 3031579 (VCV003031579.2), dbSNP rs781606722, ClinGen allele CA9109588.